The following is an entry in ClinVar:

ClinVar aggregate classification (germline): Uncertain significance. Review status: criteria provided, multiple submitters, no conflicts (2 of 4 stars). 2 submissions from 2 submitters: Uncertain significance (2). Last evaluated 2025-05-09.

Conditions:
Hereditary cancer-predisposing syndrome. Also called: Hereditary Cancer Syndrome; Hereditary neoplastic syndrome; Neoplastic Syndromes, Hereditary; Tumor predisposition. Identifiers: Orphanet 140162, MedGen C0027672, MeSH D009386, MONDO:0015356.
Fanconi anemia (FA). Also called: Fanconi's anemia. Identifiers: Orphanet 84, MedGen C0015625, MeSH D005199, MONDO:0019391.

Submissions (2):

Ambry Genetics
Classification: Uncertain significance for Hereditary cancer-predisposing syndrome. Last evaluated: 2025-05-09. Review status: criteria provided, single submitter. Criteria: Ambry Variant Classification Scheme 2023. Collection method: clinical testing. Allele origin: germline.
Comment: The p.P198T variant (also known as c.592C>A), located in coding exon 6 of the FANCC gene, results from a C to A substitution at nucleotide position 592. The proline at codon 198 is replaced by threonine, an amino acid with highly similar properties. This amino acid position is conserved. In addition, this alteration is predicted to be deleterious by in silico analysis. Since supporting evidence is limited at this time, the clinical significance of this alteration remains unclear.

Labcorp Genetics (formerly Invitae), Labcorp
Classification: Uncertain significance for Fanconi anemia. Last evaluated: 2024-09-27. Review status: criteria provided, single submitter. Criteria: Invitae Variant Classification Sherloc (09022015). Collection method: clinical testing. Allele origin: germline.
Comment: This sequence change replaces proline, which is neutral and non-polar, with threonine, which is neutral and polar, at codon 198 of the FANCC protein (p.Pro198Thr). This variant is not present in population databases (gnomAD no frequency). This variant has not been reported in the literature in individuals affected with FANCC-related conditions. ClinVar contains an entry for this variant (Variation ID: 1750541). Invitae Evidence Modeling of protein sequence and biophysical properties (such as structural, functional, and spatial information, amino acid conservation, physicochemical variation, residue mobility, and thermodynamic stability) indicates that this missense variant is expected to disrupt FANCC protein function with a positive predictive value of 80%. In summary, the available evidence is currently insufficient to determine the role of this variant in disease. Therefore, it has been classified as a Variant of Uncertain Significance.

NM_000136.3(FANCC):c.592C>A (p.Pro198Thr)

Genes: FANCC (FA complementation group C; minus strand), AOPEP (aminopeptidase O (putative); plus strand). Cytogenetic location: 9q22.32.
Variant type: single nucleotide variant.
Coding change: c.592C>A on transcript NM_000136.3 (MANE Select); coding-DNA position 592, C replaced by A.
Protein change: p.Pro198Thr; replaces proline 198 with threonine.
Molecular consequence: missense variant.
Genome position (GRCh38, 1-based): chr9:95,150,017, G>T on the plus strand (C>A on the coding strand, the complement: FANCC is on the minus strand). VCF-style: chr9-95150017-G-T. GRCh37 (hg19) VCF-style: chr9-97912299-G-T.
Other names: c.592C>A, p.Pro198Thr (NM_001243743.2, NM_001243744.2); short protein forms P198T.
Identifiers: ClinVar variation 1750541 (VCV001750541.8), dbSNP rs2135427761, ClinGen allele CA374109705.
Genomic context (GRCh38, chr9:95,150,017, plus strand): 5'-CTGGCTGGAGGATTTCCTGAGGTTCACGTCCATGACAGATGAGGAGAGCCTCCACCAGGG[G>T]GTCAACATCTGTCAGGGTAATAAGTGGGACACAAACTCGTGACAGGGACGCCACTCGCTC-3'
Protein context (NP_000127.2, residues 188-208): VPLITLTDVD[Pro198Thr]LVEALLICHG